The following is an entry in ClinVar:

NM_001079858.3(ADGRG2):c.2699G>A (p.Arg900Gln)

Gene: ADGRG2 (adhesion G protein-coupled receptor G2; minus strand). Cytogenetic location: Xp22.13.
Variant type: single nucleotide variant.
Coding change: c.2699G>A on transcript NM_001079858.3 (MANE Select); coding-DNA position 2699, G replaced by A.
Protein change: p.Arg900Gln; replaces arginine 900 with glutamine.
Molecular consequence: missense variant.
Genome position (GRCh38, 1-based): chrX:18,996,068, C>T on the plus strand (G>A on the coding strand, the complement: ADGRG2 is on the minus strand). VCF-style: chrX-18996068-C-T. GRCh37 (hg19) VCF-style: chrX-19014186-C-T.
Other names: c.2657G>A, p.Arg886Gln (NM_001079859.3); c.2633G>A, p.Arg878Gln (NM_001079860.3); c.2651G>A, p.Arg884Gln (NM_001184833.2); c.2699G>A, p.Arg900Gln (NM_001184834.2); c.2585G>A, p.Arg862Gln (NM_001184835.2); c.2627G>A, p.Arg876Gln (NM_001184836.2); c.2609G>A, p.Arg870Gln (NM_001184837.2); c.2690G>A, p.Arg897Gln (NM_005756.4); short protein forms R862Q, R870Q, R876Q, R878Q, R884Q, R886Q, R897Q, R900Q.
Identifiers: ClinVar variation 2660118 (VCV002660118.24), dbSNP rs139650895, ClinGen allele CA10362297.

ClinVar aggregate classification (germline): Likely benign (1 of 4 stars; one submission).

Allele frequency attached by ClinVar (database versions not stated): TOPMed 0.00011; gnomAD 0.00013; ESP Exome Variant Server 0.00019; gnomAD exomes 0.00023; ExAC 0.00029.
gnomAD v4.1: 246 of 1,148,348 alleles (0.021%); highest among the groups gnomAD compares: Non-Finnish European, 0.028%; no homozygotes.

Submission:

CeGaT Center for Human Genetics Tuebingen
Classification: Likely benign. Last evaluated: 2023-02-01. Review status: criteria provided, single submitter. Criteria: CeGaT Center For Human Genetics Tuebingen Variant Classification Criteria Version 2. Collection method: clinical testing. Allele origin: germline. Affected: yes. Observed: 1 variant allele.
Comment: ADGRG2: BS2